The following is an entry in ClinVar:

NM_015166.4(MLC1):c.798C>G (p.Ser266Arg)

Gene: MLC1 (modulator of VRAC current 1; minus strand). Cytogenetic location: 22q13.33.
Variant type: single nucleotide variant.
Coding change: c.798C>G on transcript NM_015166.4 (MANE Select); coding-DNA position 798, C replaced by G.
Protein change: p.Ser266Arg; replaces serine 266 with arginine.
Molecular consequence: missense variant. On other transcripts: non-coding transcript variant (3).
Genome position (GRCh38, 1-based): chr22:50,068,529, G>C on the plus strand (C>G on the coding strand, the complement: MLC1 is on the minus strand). VCF-style: chr22-50068529-G-C. GRCh37 (hg19) VCF-style: chr22-50506958-G-C.
Other names: c.798C>G, p.Ser266Arg (NM_001376472.1, NM_001376473.1, NM_001376474.1 and 5 more transcripts); c.741C>G, p.Ser247Arg (NM_001376479.1); c.708C>G, p.Ser236Arg (NM_001376480.1); c.696C>G, p.Ser232Arg (NM_001376481.1); c.642C>G, p.Ser214Arg (NM_001376482.1, NM_001376483.1); c.561C>G, p.Ser187Arg (NM_001376484.1); short protein forms S187R, S214R, S232R, S236R, S247R, S266R.
Identifiers: ClinVar variation 2501703 (VCV002501703.1), dbSNP rs777790290, ClinGen allele CA10303354.

ClinVar aggregate classification (germline): Likely pathogenic (1 of 4 stars; one submission).

Conditions:
Megalencephalic leukoencephalopathy with subcortical cysts 1 (MLC1). Also called: VACUOLATING MEGALENCEPHALIC LEUKOENCEPHALOPATHY WITH SUBCORTICAL CYSTS; LEUKOENCEPHALOPATHY WITH SWELLING AND CYSTS. Identifiers: Orphanet 2478, MedGen C5779875, MONDO:0024555, OMIM 604004.

Allele frequency attached by ClinVar (database versions not stated): gnomAD exomes below 0.00001; ExAC 0.00001.
gnomAD v4.1: 2 of 1,613,606 alleles (0.00012%); highest among the groups gnomAD compares: South Asian, 0.0011%; no homozygotes.

Submission:

Lifecell International Pvt. Ltd
Classification: Likely pathogenic for Megalencephalic leukoencephalopathy with subcortical cysts 1. Review status: criteria provided, single submitter. Criteria: ACMG Guidelines, 2015. Collection method: clinical testing. Allele origin: germline. Inheritance: Autosomal recessive inheritance. Affected: yes. Observed: 1 homozygote.
Comment: A Homozygote Missense variant c.798C>G in Exon 10 of the MLC1 gene that results in the amino acid substitution p.Ser266Arg was identified. The observed variant is novel in gnomAD exomes and genomes. The severity of the impact of this variant on the protein is high, based on the effect of the protein and REVEL score . Rare Exome Variant Ensemble Learner (REVEL) is an ensembl method for predicting the pathogenicity of missense variants based on a combination of scores from 13 individual tools: MutPred, FATHMM v2.3, VEST 3.0, PolyPhen-2, SIFT, PROVEAN, MutationAssessor, MutationTaster, LRT, GERP++, SiPhy, phyloP, and phastCons. The REVEL score for an individual missense variant can range from 0 to 1, with higher scores reflecting greater likelihood that the variant is disease-causing. This variant has been previously reported in Aparna G et al., 2019. Based on the above evidence this variant has been classified as Likely Pathogenic according to the ACMG guidelines.

Literature cited by the submitters: PubMed 31069529.